The following is an entry in ClinVar:

ClinVar aggregate classification (germline): Conflicting classifications of pathogenicity. Review status: criteria provided, conflicting classifications (1 of 4 stars). 2 submissions from 2 submitters: Uncertain significance (1); Likely benign (1). Last evaluated 2025-08-19.

Conditions:
Cardiovascular phenotype. Identifiers: MedGen CN230736.

Allele frequency attached by ClinVar (database versions not stated): ExAC 0.00001; TOPMed 0.00002; gnomAD 0.00003; gnomAD exomes 0.00003.

Submissions (2):

Ambry Genetics
Classification: Likely benign for Cardiovascular phenotype. Last evaluated: 2025-08-19. Review status: criteria provided, single submitter. Criteria: Ambry Variant Classification Scheme 2023. Collection method: clinical testing. Allele origin: germline.

Labcorp Genetics (formerly Invitae), Labcorp
Classification: Uncertain significance. Last evaluated: 2023-03-07. Review status: criteria provided, single submitter. Criteria: Invitae Variant Classification Sherloc (09022015). Collection method: clinical testing. Allele origin: germline.
Comment: In summary, the available evidence is currently insufficient to determine the role of this variant in disease. Therefore, it has been classified as a Variant of Uncertain Significance. Advanced modeling of protein sequence and biophysical properties (such as structural, functional, and spatial information, amino acid conservation, physicochemical variation, residue mobility, and thermodynamic stability) performed at Invitae indicates that this missense variant is not expected to disrupt APOA1 protein function. This sequence change replaces glutamic acid, which is acidic and polar, with glycine, which is neutral and non-polar, at codon 163 of the APOA1 protein (p.Glu163Gly). This variant is present in population databases (rs758509542, gnomAD 0.01%). This variant has not been reported in the literature in individuals affected with APOA1-related conditions. ClinVar contains an entry for this variant (Variation ID: 1743841).

NM_000039.3(APOA1):c.488A>G (p.Glu163Gly)

Genes: APOA1 (apolipoprotein A1; minus strand), APOA1-AS (APOA1 antisense RNA; plus strand). Cytogenetic location: 11q23.3.
Variant type: single nucleotide variant.
Coding change: c.488A>G on transcript NM_000039.3 (MANE Select); coding-DNA position 488, A replaced by G.
Protein change: p.Glu163Gly; replaces glutamic acid 163 with glycine.
Molecular consequence: missense variant. On other transcripts: non-coding transcript variant (1).
Genome position (GRCh38, 1-based): chr11:116,836,124, T>C on the plus strand (A>G on the coding strand, the complement: APOA1 is on the minus strand). VCF-style: chr11-116836124-T-C. GRCh37 (hg19) VCF-style: chr11-116706840-T-C.
Other names: c.488A>G, p.Glu163Gly (NM_001318017.2, NM_001318018.2); c.161A>G, p.Glu54Gly (NM_001318021.2); short protein forms E163G, E54G.
Identifiers: ClinVar variation 1743841 (VCV001743841.6), dbSNP rs758509542, ClinGen allele CA6289798.